The following is an entry in ClinVar:

ClinVar aggregate classification (germline): Likely benign. Review status: criteria provided, single submitter (1 of 4 stars). 2 submissions from 2 submitters: Likely benign (1). 1 of the submissions does not count toward it. Last evaluated 2026-06-01.

Conditions:
CACNA1I-related disorder. Also called: CACNA1I-related condition.

Allele frequency attached by ClinVar (database versions not stated): gnomAD exomes 0.00147; ExAC 0.00188; ESP Exome Variant Server 0.00191; gnomAD 0.00236; 1000 Genomes Project 0.00260; 1000 Genomes Project 30x 0.00281; TOPMed 0.00291.
gnomAD v4.1: 2,672 of 1,613,928 alleles (0.17%); highest among the groups gnomAD compares: Middle Eastern, 1.7%; 9 homozygotes.

Submissions (2):

CeGaT Center for Human Genetics Tuebingen
Classification: Likely benign. Last evaluated: 2026-06-01. Review status: criteria provided, single submitter. Criteria: CeGaT Center For Human Genetics Tuebingen Variant Classification Criteria Version 2. Collection method: clinical testing. Allele origin: germline. Affected: yes. Observed: 8 variant alleles.
Comment: CACNA1I: BP4, BP7

PreventionGenetics, part of Exact Sciences
Classification: Benign for CACNA1I-related condition. Last evaluated: 2024-04-11. Review status: no assertion criteria provided. Collection method: clinical testing. Allele origin: germline. Not counted in ClinVar's aggregate classification.
Comment: This variant is classified as benign based on ACMG/AMP sequence variant interpretation guidelines (Richards et al. 2015 PMID: 25741868, with internal and published modifications).

NM_021096.4(CACNA1I):c.2121C>T (p.Phe707=)

Gene: CACNA1I (calcium voltage-gated channel subunit alpha1 I; plus strand). Cytogenetic location: 22q13.1.
Variant type: single nucleotide variant.
Coding change: c.2121C>T on transcript NM_021096.4 (MANE Select); coding-DNA position 2121, C replaced by T.
Protein change: p.Phe707=; no amino-acid change (phenylalanine 707 retained).
Molecular consequence: synonymous variant.
Genome position (GRCh38, 1-based): chr22:39,658,280, C>T. VCF-style: chr22-39658280-C-T. GRCh37 (hg19) VCF-style: chr22-40054285-C-T.
Other names: c.2016C>T, p.Phe672= (NM_001003406.2); c.2121C>T (NM_021096.3).
Identifiers: ClinVar variation 2498907 (VCV002498907.29), dbSNP rs141359252, ClinGen allele CA10244075.